The following is an entry in ClinVar:

ClinVar aggregate classification (germline): Conflicting classifications of pathogenicity. Review status: criteria provided, conflicting classifications (1 of 4 stars). 2 submissions from 2 submitters: Uncertain significance (1); Likely benign (1). Last evaluated 2018-02-21.

Conditions:
Pontoneocerebellar hypoplasia. Also called: Pontocerebellar hypoplasia; Non-syndromic pontocerebellar hypoplasia. Identifiers: Orphanet 98523, MedGen C1261175, MONDO:0020135.

Allele frequency attached by ClinVar (database versions not stated): gnomAD exomes 0.00001 and 0.00005; gnomAD 0.00003; TOPMed 0.00003; ExAC 0.00004; ESP Exome Variant Server 0.00008.
gnomAD v4.1: 28 of 1,614,030 alleles (0.0017%); highest among the groups gnomAD compares: Admixed American, 0.0067%; no homozygotes.

Submissions (2):

GeneDx
Classification: Likely benign. Last evaluated: 2018-02-21. Review status: criteria provided, single submitter. Criteria: GeneDx Variant Classification (06012015). Collection method: clinical testing. Allele origin: germline. Affected: yes.
Comment: This variant is considered likely benign or benign based on one or more of the following criteria: it is a conservative change, it occurs at a poorly conserved position in the protein, it is predicted to be benign by multiple in silico algorithms, and/or has population frequency not consistent with disease.

Illumina Laboratory Services, Illumina
Classification: Uncertain significance for Pontoneocerebellar hypoplasia. Last evaluated: 2018-01-13. Review status: criteria provided, single submitter. Criteria: ICSL Variant Classification Criteria 13 December 2019. Collection method: clinical testing. Allele origin: germline.

NM_001077446.4(TSEN34):c.675A>G (p.Arg225=)

Gene: TSEN34 (tRNA splicing endonuclease subunit 34; plus strand). Cytogenetic location: 19q13.42.
Variant type: single nucleotide variant.
Coding change: c.675A>G on transcript NM_001077446.4 (MANE Select); coding-DNA position 675, A replaced by G.
Protein change: p.Arg225=; no amino-acid change (arginine 225 retained).
Molecular consequence: synonymous variant.
Genome position (GRCh38, 1-based): chr19:54,192,303, A>G. VCF-style: chr19-54192303-A-G. GRCh37 (hg19) VCF-style: chr19-54696154-A-G.
Other names: c.675A>G, p.Arg225= (NM_001282332.2, NM_001282333.2, NM_001386740.1 and 1 more transcripts).
Identifiers: ClinVar variation 515672 (VCV000515672.5), dbSNP rs375366303, ClinGen allele CA309374981.